The following is an entry in ClinVar:

NM_000322.5(PRPH2):c.611A>G (p.Tyr204Cys)

Gene: PRPH2 (peripherin 2; minus strand). Cytogenetic location: 6p21.1.
Variant type: single nucleotide variant.
Coding change: c.611A>G on transcript NM_000322.5 (MANE Select); coding-DNA position 611, A replaced by G.
Protein change: p.Tyr204Cys; replaces tyrosine 204 with cysteine.
Molecular consequence: missense variant.
Genome position (GRCh38, 1-based): chr6:42,704,582, T>C on the plus strand (A>G on the coding strand, the complement: PRPH2 is on the minus strand). VCF-style: chr6-42704582-T-C. GRCh37 (hg19) VCF-style: chr6-42672320-T-C.
Other names: short protein forms Y204C.
Identifiers: ClinVar variation 1993332 (VCV001993332.4), dbSNP rs2548300831, ClinGen allele CA364135729.

ClinVar aggregate classification (germline): Uncertain significance (1 of 4 stars; one submission).

Conditions:
PRPH2-related disorder. Also called: PRPH2-related disorders; PRPH2-related condition. Identifiers: MedGen CN239395.

Submission:

Labcorp Genetics (formerly Invitae), Labcorp
Classification: Uncertain significance for PRPH2-related disorder. Last evaluated: 2022-05-19. Review status: criteria provided, single submitter. Criteria: Invitae Variant Classification Sherloc (09022015). Collection method: clinical testing. Allele origin: germline.
Comment: In summary, the available evidence is currently insufficient to determine the role of this variant in disease. Therefore, it has been classified as a Variant of Uncertain Significance. Advanced modeling of protein sequence and biophysical properties (such as structural, functional, and spatial information, amino acid conservation, physicochemical variation, residue mobility, and thermodynamic stability) performed at Invitae indicates that this missense variant is expected to disrupt PRPH2 protein function. This variant has not been reported in the literature in individuals affected with PRPH2-related conditions. This variant is not present in population databases (gnomAD no frequency). This sequence change replaces tyrosine, which is neutral and polar, with cysteine, which is neutral and slightly polar, at codon 204 of the PRPH2 protein (p.Tyr204Cys).